The following is an entry in ClinVar:

NM_001134831.2(AHI1):c.2294C>T (p.Thr765Ile)

Gene: AHI1 (Abelson helper integration site 1; minus strand). Cytogenetic location: 6q23.3.
Variant type: single nucleotide variant.
Coding change: c.2294C>T on transcript NM_001134831.2 (MANE Select); coding-DNA position 2294, C replaced by T.
Protein change: p.Thr765Ile; replaces threonine 765 with isoleucine.
Molecular consequence: missense variant.
Genome position (GRCh38, 1-based): chr6:135,431,287, G>A on the plus strand (C>T on the coding strand, the complement: AHI1 is on the minus strand). VCF-style: chr6-135431287-G-A. GRCh37 (hg19) VCF-style: chr6-135752425-G-A.
Other names: c.2294C>T, p.Thr765Ile (NM_001134830.2, NM_001134832.2, NM_001350503.2 and 2 more transcripts); short protein forms T765I.
Identifiers: ClinVar variation 286969 (VCV000286969.19), dbSNP rs200017073, ClinGen allele CA4012402.

ClinVar aggregate classification (germline): Conflicting classifications of pathogenicity. Review status: criteria provided, conflicting classifications (1 of 4 stars). 5 submissions from 5 submitters: Uncertain significance (3); Likely benign (2). Last evaluated 2026-08-17.

Conditions:
Joubert syndrome 3 (JBTS3). Also called: AHI1-related Ciliopathy. Identifiers: Orphanet 220493, MedGen C1837713, MONDO:0012078, OMIM 608629.
Joubert syndrome. Also called: JOUBERT-BOLTSHAUSER SYNDROME; Familial aplasia of the vermis. Identifiers: Orphanet 475, MedGen C5979921, MONDO:0018772.
AHI1-related disorder. Also called: AHI1-related condition.

Allele frequency attached by ClinVar (database versions not stated): gnomAD 0.00003; gnomAD exomes 0.00012; ExAC 0.00015; TOPMed 0.00018; ESP Exome Variant Server 0.00034.
gnomAD v4.1: 186 of 1,606,318 alleles (0.012%); highest among the groups gnomAD compares: Non-Finnish European, 0.012%; no homozygotes.

Submissions (5):

PreventionGenetics, part of Exact Sciences
Classification: Uncertain significance for AHI1-related condition. Last evaluated: 2026-08-17. Review status: criteria provided, single submitter. Criteria: ACMG Guidelines, 2015. Collection method: clinical testing. Allele origin: germline.
Comment: The AHI1 c.2294C>T variant is predicted to result in the amino acid substitution p.Thr765Ile. To our knowledge, this variant has not been reported in the literature. This variant is reported in 0.11% of alleles in individuals of Ashkenazi Jewish descent in gnomAD, which may be too frequent to be a primary cause of disease. Although we suspect that this variant may be benign, at this time, the clinical significance of this variant is uncertain due to the absence of conclusive functional and genetic evidence.

Labcorp Genetics (formerly Invitae), Labcorp
Classification: Likely benign for Joubert syndrome. Last evaluated: 2025-12-19. Review status: criteria provided, single submitter. Criteria: Invitae Variant Classification Sherloc (09022015). Collection method: clinical testing. Allele origin: germline.

Fulgent Genetics
Classification: Uncertain significance for Joubert syndrome 3. Last evaluated: 2024-06-01. Review status: criteria provided, single submitter. Criteria: ACMG Guidelines, 2015. Collection method: clinical testing. Allele origin: germline.

Blueprint Genetics
Classification: Likely benign. Last evaluated: 2023-11-24. Review status: criteria provided, single submitter. Criteria: ACMG Guidelines, 2015. Collection method: clinical testing. Allele origin: germline.

Eurofins Ntd Llc (ga)
Classification: Uncertain significance. Last evaluated: 2016-03-24. Review status: criteria provided, single submitter. Criteria: EGL Classification Definitions 2015. Collection method: clinical testing. Allele origin: germline. Observed: 1 variant allele, 1 heterozygote.